The following is an entry in ClinVar:

ClinVar aggregate classification (germline): Uncertain significance (1 of 4 stars; one submission).

Conditions:
Inborn genetic diseases. Identifiers: MedGen C0950123, MeSH D030342.

Submission:

Ambry Genetics
Classification: Uncertain significance for Inborn genetic diseases. Last evaluated: 2021-07-20. Review status: criteria provided, single submitter. Criteria: Ambry Variant Classification Scheme 2023. Collection method: clinical testing. Allele origin: germline.
Comment: The c.905-24_905-5dup20 intronic variant results from a duplication of 40 nucleotides upstream from coding exon 11 of the MORC2 gene. This nucleotide region is not well conserved in available vertebrate species. In silico splice site analysis predicts that this alteration will not have any significant effect on splicing. Since supporting evidence is limited at this time, the clinical significance of this alteration remains unclear.

NM_001303256.3(MORC2):c.905-24_905-5dup

Gene: MORC2 (MORC family CW-type zinc finger 2; minus strand). Cytogenetic location: 22q12.2.
Variant type: Duplication.
Coding change: c.905-24_905-5dup on transcript NM_001303256.3 (MANE Select); 24 bases into the intron before coding-DNA position 905 through 5 bases into the intron before coding-DNA position 905, 20 bases duplicated (ACCATGTTCTCTTCTGGGTT).
Molecular consequence: intron variant.
Genome position (GRCh38, 1-based): chr22:30,940,046-30,940,065, AACCCAGAAGAGAACATGGT duplicated on the plus strand (ACCATGTTCTCTTCTGGGTT on the coding strand, the reverse complement: MORC2 is on the minus strand); duplicating any 20 consecutive bases within chr22:30,940,046-30,940,067 gives the same sequence; the c. name uses the placement nearest the transcript's 3' end. VCF-style (leftmost placement, unchanged base first): chr22-30940045-A-AAACCCAGAAGAGAACATGGT. GRCh37 (hg19) VCF-style: chr22-31336032-A-AAACCCAGAAGAGAACATGGT.
Other names: c.905-24_905-5dup (NM_001303257.2); c.719-24_719-5dup (NM_014941.3).
Identifiers: ClinVar variation 1765607 (VCV001765607.2), dbSNP rs2517597284, ClinGen allele CA2580099752.